The following is an entry in ClinVar:

NM_016360.4(TACO1):c.451G>A (p.Glu151Lys)

Gene: TACO1 (translational activator of cytochrome c oxidase I; plus strand). Cytogenetic location: 17q23.3.
Variant type: single nucleotide variant.
Coding change: c.451G>A on transcript NM_016360.4 (MANE Select); coding-DNA position 451, G replaced by A.
Protein change: p.Glu151Lys; replaces glutamic acid 151 with lysine.
Molecular consequence: missense variant.
Genome position (GRCh38, 1-based): chr17:63,606,376, G>A. VCF-style: chr17-63606376-G-A. GRCh37 (hg19) VCF-style: chr17-61683736-G-A.
Other names: c.451G>A (NM_016360.3); short protein forms E151K.
Identifiers: ClinVar variation 1543713 (VCV001543713.8), dbSNP rs139687237, ClinGen allele CA8702138.

ClinVar aggregate classification (germline): Conflicting classifications of pathogenicity. Review status: criteria provided, conflicting classifications (1 of 4 stars). 2 submissions from 2 submitters: Uncertain significance (1); Likely benign (1). Last evaluated 2022-08-31.

Allele frequency attached by ClinVar (database versions not stated): gnomAD exomes 0.00004 and 0.00017; ESP Exome Variant Server 0.00015; 1000 Genomes Project 30x 0.00016; TOPMed 0.00017; gnomAD 0.00018 and 0.00019; 1000 Genomes Project 0.00020; ExAC 0.00021.
gnomAD v4.1: 82 of 1,614,098 alleles (0.0051%); highest among the groups gnomAD compares: East Asian, 0.098%; no homozygotes.

Submissions (2):

Labcorp Genetics (formerly Invitae), Labcorp
Classification: Likely benign. Last evaluated: 2022-08-31. Review status: criteria provided, single submitter. Criteria: Invitae Variant Classification Sherloc (09022015). Collection method: clinical testing. Allele origin: germline.

GeneDx
Classification: Uncertain significance. Last evaluated: 2022-07-20. Review status: criteria provided, single submitter. Criteria: GeneDx Variant Classification Process June 2021. Collection method: clinical testing. Allele origin: germline. Affected: yes.
Comment: In silico analysis supports that this missense variant has a deleterious effect on protein structure/function; Has not been previously published as pathogenic or benign to our knowledge